The following is an entry in ClinVar:

ClinVar aggregate classification (germline): Uncertain significance (1 of 4 stars; one submission).

Conditions:
Congenital bilateral aplasia of vas deferens from CFTR mutation (CBAVD). Identifiers: Orphanet 48, MedGen C0403814, MONDO:0010178, OMIM 277180. Disease mechanism: loss of function.

Submission:

MGZ Medical Genetics Center
Classification: Uncertain significance for Congenital bilateral aplasia of vas deferens from CFTR mutation. Last evaluated: 2022-07-08. Review status: criteria provided, single submitter. Criteria: ACMG Guidelines, 2015. Collection method: clinical testing. Allele origin: germline. Affected: yes. Observed: 1 variant allele.
Comment: ACMG criteria applied: PM2_SUP

NM_000492.4(CFTR):c.1369G>A (p.Ala457Thr)

Genes: CFTR (CF transmembrane conductance regulator; plus strand), CFTR-AS1 (CFTR antisense RNA 1; minus strand). Cytogenetic location: 7q31.2.
Variant type: single nucleotide variant.
Coding change: c.1369G>A on transcript NM_000492.4 (MANE Select); coding-DNA position 1369, G replaced by A.
Protein change: p.Ala457Thr; replaces alanine 457 with threonine.
Molecular consequence: missense variant.
Genome position (GRCh38, 1-based): chr7:117,548,800, G>A. VCF-style: chr7-117548800-G-A. GRCh37 (hg19) VCF-style: chr7-117188854-G-A.
Other names: short protein forms A457T.
Identifiers: ClinVar variation 1709585 (VCV001709585.2), dbSNP rs1554382664, ClinGen allele CA368982476.